The following is an entry in ClinVar:

ClinVar aggregate classification (germline): Conflicting classifications of pathogenicity. Review status: criteria provided, conflicting classifications (1 of 4 stars). 4 submissions from 4 submitters: Uncertain significance (3); Likely benign (1). Last evaluated 2025-04-07.

Conditions:
Familial cold autoinflammatory syndrome 3 (FCAS3). Also called: ANTIBODY DEFICIENCY AND IMMUNE DYSREGULATION, PLCG2-ASSOCIATED; FAMILIAL ATYPICAL COLD URTICARIA. Identifiers: Orphanet 300359, MedGen C3280914, MONDO:0013766, OMIM 614468.
Autoinflammation-PLCG2-associated antibody deficiency-immune dysregulation. Also called: Autoinflammation, antibody deficiency, and immune dysregulation syndrome; Autoinflammation, antibody deficiency, and immune dysregulation, plcg2-associated; AUTOINFLAMMATION, ANTIBODY DEFICIENCY, AND IMMUNE DYSREGULATION. Identifiers: Orphanet 324530, MedGen C3553961, MONDO:0013944, OMIM 614878.

Allele frequency attached by ClinVar (database versions not stated): gnomAD 0.00001; ExAC 0.00002; gnomAD exomes 0.00002; TOPMed 0.00002; ESP Exome Variant Server 0.00008.
gnomAD v4.1: 31 of 1,613,272 alleles (0.0019%); highest among the groups gnomAD compares: Admixed American, 0.0033%; no homozygotes.

Submissions (4):

Labcorp Genetics (formerly Invitae), Labcorp
Classification: Uncertain significance for Familial cold autoinflammatory syndrome 3. Last evaluated: 2025-04-07. Review status: criteria provided, single submitter. Criteria: Invitae Variant Classification Sherloc (09022015). Collection method: clinical testing. Allele origin: germline.
Comment: This sequence change replaces valine, which is neutral and non-polar, with isoleucine, which is neutral and non-polar, at codon 1165 of the PLCG2 protein (p.Val1165Ile). This variant is present in population databases (rs372557475, gnomAD 0.006%). This variant has not been reported in the literature in individuals affected with PLCG2-related conditions. ClinVar contains an entry for this variant (Variation ID: 1163585). An algorithm developed to predict the effect of missense changes on protein structure and function outputs the following: PolyPhen-2: "Benign". The isoleucine amino acid residue is found in multiple mammalian species, which suggests that this missense change does not adversely affect protein function. In summary, the available evidence is currently insufficient to determine the role of this variant in disease. Therefore, it has been classified as a Variant of Uncertain Significance.

CeGaT Center for Human Genetics Tuebingen
Classification: Likely benign. Last evaluated: 2022-09-01. Review status: criteria provided, single submitter. Criteria: CeGaT Center For Human Genetics Tuebingen Variant Classification Criteria Version 2. Collection method: clinical testing. Allele origin: germline. Affected: yes. Observed: 1 variant allele.
Comment: PLCG2: BP4

Fulgent Genetics
Classification: Uncertain significance for Familial cold autoinflammatory syndrome 3; Autoinflammation-PLCG2-associated antibody deficiency-immune dysregulation. Last evaluated: 2021-10-29. Review status: criteria provided, single submitter. Criteria: ACMG Guidelines, 2015. Collection method: clinical testing. Allele origin: unknown.

Mayo Clinic Laboratories, Mayo Clinic
Classification: Uncertain significance. Last evaluated: 2020-10-13. Review status: criteria provided, single submitter. Criteria: ACMG Guidelines, 2015. Collection method: clinical testing. Allele origin: germline. Observed: 1 variant allele.

NM_002661.5(PLCG2):c.3493G>A (p.Val1165Ile)

Gene: PLCG2 (phospholipase C gamma 2; plus strand). Cytogenetic location: 16q23.3.
Variant type: single nucleotide variant.
Coding change: c.3493G>A on transcript NM_002661.5 (MANE Select); coding-DNA position 3493, G replaced by A.
Protein change: p.Val1165Ile; replaces valine 1165 with isoleucine.
Molecular consequence: missense variant.
Genome position (GRCh38, 1-based): chr16:81,946,186, G>A. VCF-style: chr16-81946186-G-A. GRCh37 (hg19) VCF-style: chr16-81979791-G-A.
Other names: short protein forms V1165I.
Identifiers: ClinVar variation 1163585 (VCV001163585.41), dbSNP rs372557475, ClinGen allele CA8194751.